The following is an entry in ClinVar:

NM_001329943.3(KIAA0586):c.3250T>C (p.Cys1084Arg)

Gene: KIAA0586 (KIAA0586; plus strand). Cytogenetic location: 14q23.1.
Variant type: single nucleotide variant.
Coding change: c.3250T>C on transcript NM_001329943.3 (MANE Select); coding-DNA position 3250, T replaced by C.
Protein change: p.Cys1084Arg; replaces cysteine 1084 with arginine.
Molecular consequence: missense variant.
Genome position (GRCh38, 1-based): chr14:58,487,112, T>C. VCF-style: chr14-58487112-T-C. GRCh37 (hg19) VCF-style: chr14-58953830-T-C.
Other names: c.3409T>C, p.Cys1137Arg (NM_001244189.2); c.3205T>C, p.Cys1069Arg (NM_001244190.2); c.2995T>C, p.Cys999Arg (NM_001244191.2, NM_001329945.2, NM_001364700.1 and 1 more transcripts); c.3118T>C, p.Cys1040Arg (NM_001244192.2); c.2830T>C, p.Cys944Arg (NM_001244193.2); c.3250T>C, p.Cys1084Arg (NM_001329944.2, NM_001329946.2, NM_001329947.2); c.3022T>C, p.Cys1008Arg (NM_014749.5); short protein forms C1008R, C1084R, C1137R, C1069R, C944R, C1040R, C999R.
Identifiers: ClinVar variation 2120381 (VCV002120381.4), dbSNP rs2543645732, ClinGen allele CA389880990.

ClinVar aggregate classification (germline): Uncertain significance (1 of 4 stars; one submission).

Conditions:
Short-rib thoracic dysplasia 14 with polydactyly (SRTD14). Identifiers: Orphanet 397715, MedGen C4225286, MONDO:0014688, OMIM 616546.
Joubert syndrome 23 (JBTS23). Identifiers: Orphanet 475, MedGen C4084822, MONDO:0014664, OMIM 616490.

Submission:

Labcorp Genetics (formerly Invitae), Labcorp
Classification: Uncertain significance for Joubert syndrome 23; Short-rib thoracic dysplasia 14 with polydactyly. Last evaluated: 2025-04-21. Review status: criteria provided, single submitter. Criteria: Invitae Variant Classification Sherloc (09022015). Collection method: clinical testing. Allele origin: germline.
Comment: This sequence change replaces cysteine, which is neutral and slightly polar, with arginine, which is basic and polar, at codon 1137 of the KIAA0586 protein (p.Cys1137Arg). This variant is not present in population databases (gnomAD no frequency). This variant has not been reported in the literature in individuals affected with KIAA0586-related conditions. ClinVar contains an entry for this variant (Variation ID: 2120381). Invitae Evidence Modeling of protein sequence and biophysical properties (such as structural, functional, and spatial information, amino acid conservation, physicochemical variation, residue mobility, and thermodynamic stability) indicates that this missense variant is expected to disrupt KIAA0586 protein function with a positive predictive value of 80%. In summary, the available evidence is currently insufficient to determine the role of this variant in disease. Therefore, it has been classified as a Variant of Uncertain Significance.